The following is an entry in ClinVar:

ClinVar aggregate classification (germline): Uncertain significance. Review status: no assertion criteria provided (0 of 4 stars). 2 submissions from 2 submitters: Uncertain significance (2). Last evaluated 2024-09-03.

Conditions:
BBS2-related disorder. Also called: BBS2-related condition; BBS2-related disorders. Identifiers: MedGen CN239228.
Bardet-Biedl syndrome 2 (BBS2). Identifiers: Orphanet 110, MedGen C2936863, MONDO:0014432, OMIM 615981.

Submissions (2):

PreventionGenetics, part of Exact Sciences
Classification: Uncertain significance for BBS2-related condition. Last evaluated: 2024-09-03. Review status: no assertion criteria provided. Collection method: clinical testing. Allele origin: germline.
Comment: The BBS2 c.1528_1539del12 variant is predicted to result in an in-frame deletion (p.Val510_Trp513del). To our knowledge, this variant has not been reported in the literature or in a large population database, indicating this variant is rare. At this time, the clinical significance of this variant is uncertain due to the absence of conclusive functional and genetic evidence.

Counsyl
Classification: Uncertain significance for Bardet-Biedl syndrome 2. Last evaluated: 2017-10-19. Review status: no assertion criteria provided. Collection method: clinical testing. Allele origin: unknown.

NM_031885.3(BBS2):c.1528_1539del12

Gene: BBS2 (Bardet-Biedl syndrome 2; minus strand). Cytogenetic location: 16q13.
Variant type: Deletion.
Coding change: c.1528_1539del12 on transcript NM_031885.3; coding-DNA positions 1528 to 1539, 12 bases deleted (GTTGTTGTATGG).
Molecular consequence: non-coding transcript variant (on NR_165293.1).
Genome position (GRCh38, 1-based): chr16:56,498,557-56,498,568, CCATACAACAAC deleted on the plus strand (GTTGTTGTATGG on the coding strand, the reverse complement: BBS2 is on the minus strand); deleting any 12 consecutive bases within chr16:56,498,557-56,498,569 gives the same sequence; the c. name uses the placement nearest the transcript's 3' end. VCF-style (leftmost placement, unchanged base first): chr16-56498556-GCCATACAACAAC-G. GRCh37 (hg19) VCF-style: chr16-56532468-GCCATACAACAAC-G.
Identifiers: ClinVar variation 554457 (VCV000554457.5), dbSNP rs1555521575, ClinGen allele CA658824621.